The following is an entry in ClinVar:

ClinVar aggregate classification (germline): Benign. Review status: criteria provided, multiple submitters, no conflicts (2 of 4 stars). 6 submissions from 6 submitters: Benign (6). Last evaluated 2026-02-04.

Conditions:
VPS13A-related neurodegenerative disease. Also called: LEVINE-CRITCHLEY SYNDROME; Chorea-acanthocytosis; ACANTHOCYTOSIS WITH NEUROLOGIC DISORDER; Choreoacanthocytosis; Choreaacanthocytosis; VPS13A Disease. Identifiers: Orphanet 2388, MedGen C0393576, MONDO:0008695, OMIM 200150.

Allele frequency attached by ClinVar (database versions not stated): gnomAD exomes 0.10483 and 0.11475; ExAC 0.10943; 1000 Genomes Project 0.12480; 1000 Genomes Project 30x 0.12726; gnomAD 0.14210 and 0.14593; TOPMed 0.14303; ESP Exome Variant Server 0.15495.
gnomAD v4.1: 188,057 of 1,603,966 alleles (12%); highest among the groups gnomAD compares: African/African-American, 23%; 12,058 homozygotes.

Submissions (6):

Labcorp Genetics (formerly Invitae), Labcorp
Classification: Benign. Last evaluated: 2026-02-04. Review status: criteria provided, single submitter. Criteria: Invitae Variant Classification Sherloc (09022015). Collection method: clinical testing. Allele origin: germline.

Blueprint Genetics
Classification: Benign. Last evaluated: 2024-11-27. Review status: criteria provided, single submitter. Criteria: ACMG Guidelines, 2015. Collection method: clinical testing. Allele origin: germline.

Genome-Nilou Lab
Classification: Benign for VPS13A-related neurodegenerative disease. Last evaluated: 2021-07-10. Review status: criteria provided, single submitter. Criteria: ACMG Guidelines, 2015. Collection method: clinical testing. Allele origin: germline. Affected: no.

GeneDx
Classification: Benign. Last evaluated: 2018-07-17. Review status: criteria provided, single submitter. Criteria: GeneDx Variant Classification Process June 2021. Collection method: clinical testing. Allele origin: germline. Affected: yes.

Illumina Laboratory Services, Illumina
Classification: Benign for VPS13A-related neurodegenerative disease. Last evaluated: 2018-01-13. Review status: criteria provided, single submitter. Criteria: ICSL Variant Classification Criteria 13 December 2019. Collection method: clinical testing. Allele origin: germline.
Comment: This variant was observed in the ICSL laboratory as part of a predisposition screen in an ostensibly healthy population. It had not been previously curated by ICSL or reported in the Human Gene Mutation Database (HGMD: prior to June 1st, 2018), and was therefore a candidate for classification through an automated scoring system. Utilizing variant allele frequency, disease prevalence and penetrance estimates, and inheritance mode, an automated score was calculated to assess if this variant is too frequent to cause the disease. Based on the score and internal cut-off values, a variant classified as benign is not then subjected to further curation. The score for this variant resulted in a classification of benign for this disease.

Breakthrough Genomics
Classification: Benign. Review status: criteria provided, single submitter. Criteria: ACMG Guidelines, 2015. Collection method: not provided. Allele origin: germline. Inheritance: Autosomal recessive inheritance. Affected: yes.

NM_033305.3(VPS13A):c.6378+15A>T

Gene: VPS13A (vacuolar protein sorting 13 homolog A; plus strand). Cytogenetic location: 9q21.2.
Variant type: single nucleotide variant.
Coding change: c.6378+15A>T on transcript NM_033305.3 (MANE Select); 15 bases into the intron after coding-DNA position 6378, A replaced by T.
Molecular consequence: intron variant.
Genome position (GRCh38, 1-based): chr9:77,337,552, A>T. VCF-style: chr9-77337552-A-T. GRCh37 (hg19) VCF-style: chr9-79952468-A-T.
Other names: c.6261+15A>T (NM_001018037.2); c.6378+15A>T (NM_015186.4, NM_001018038.3).
Identifiers: ClinVar variation 367399 (VCV000367399.19), dbSNP rs12348097, ClinGen allele CA5093000.